The following is an entry in ClinVar:

ClinVar aggregate classification (germline): Uncertain significance (1 of 4 stars; one submission).

Conditions:
GRN-related frontotemporal lobar degeneration with Tdp43 inclusions (FTD2). Also called: GRN Frontotemporal Dementia; FRONTOTEMPORAL DEMENTIA WITH TDP43 INCLUSIONS, GRN-RELATED; DEMENTIA, HEREDITARY DYSPHASIC DISINHIBITION; FRONTOTEMPORAL LOBAR DEGENERATION WITH UBIQUITIN-POSITIVE INCLUSIONS; FTLD-TDP, GRN-RELATED. Identifiers: Orphanet 100070, Orphanet 282, MedGen C1843792, MONDO:0011842, OMIM 607485. Disease mechanism: loss of function.
Neuronal ceroid lipofuscinosis 11. Also called: GRN-Related Neuronal Ceroid-Lipofuscinosis. Identifiers: Orphanet 314629, Orphanet 79262, MedGen C3539123, MONDO:0013866, OMIM 614706.

Submission:

Labcorp Genetics (formerly Invitae), Labcorp
Classification: Uncertain significance for Neuronal ceroid lipofuscinosis 11; GRN-related frontotemporal lobar degeneration with Tdp43 inclusions. Last evaluated: 2023-11-18. Review status: criteria provided, single submitter. Criteria: Invitae Variant Classification Sherloc (09022015). Collection method: clinical testing. Allele origin: germline.
Comment: This sequence change replaces serine, which is neutral and polar, with asparagine, which is neutral and polar, at codon 420 of the GRN protein (p.Ser420Asn). This variant is not present in population databases (gnomAD no frequency). This variant has not been reported in the literature in individuals affected with GRN-related conditions. Advanced modeling of protein sequence and biophysical properties (such as structural, functional, and spatial information, amino acid conservation, physicochemical variation, residue mobility, and thermodynamic stability) performed at Invitae indicates that this missense variant is not expected to disrupt GRN protein function with a negative predictive value of 80%. In summary, the available evidence is currently insufficient to determine the role of this variant in disease. Therefore, it has been classified as a Variant of Uncertain Significance.

NM_002087.4(GRN):c.1259G>A (p.Ser420Asn)

Gene: GRN (granulin precursor; plus strand). Cytogenetic location: 17q21.31.
Variant type: single nucleotide variant.
Coding change: c.1259G>A on transcript NM_002087.4 (MANE Select); coding-DNA position 1259, G replaced by A.
Protein change: p.Ser420Asn; replaces serine 420 with asparagine.
Molecular consequence: missense variant.
Genome position (GRCh38, 1-based): chr17:44,352,094, G>A. VCF-style: chr17-44352094-G-A. GRCh37 (hg19) VCF-style: chr17-42429462-G-A.
Other names: short protein forms S420N.
Identifiers: ClinVar variation 2951651 (VCV002951651.3), dbSNP rs2510057892, ClinGen allele CA399768604.